The following is an entry in ClinVar:

NM_000380.4(XPA):c.389G>A (p.Arg130Lys)

Gene: XPA (XPA, DNA damage recognition and repair factor; minus strand). Cytogenetic location: 9q22.33.
Variant type: single nucleotide variant.
Coding change: c.389G>A on transcript NM_000380.4 (MANE Select); coding-DNA position 389, G replaced by A.
Protein change: p.Arg130Lys; replaces arginine 130 with lysine.
Molecular consequence: missense variant. On other transcripts: non-coding transcript variant (2).
Genome position (GRCh38, 1-based): chr9:97,689,534, C>T on the plus strand (G>A on the coding strand, the complement: XPA is on the minus strand). VCF-style: chr9-97689534-C-T. GRCh37 (hg19) VCF-style: chr9-100451816-C-T.
Other names: c.263G>A, p.Arg88Lys (NM_001354975.2); short protein forms R130K, R88K.
Identifiers: ClinVar variation 551153 (VCV000551153.4), dbSNP rs1324310300, ClinGen allele CA374187668.

ClinVar aggregate classification (germline): Likely pathogenic. Review status: criteria provided, multiple submitters, no conflicts (2 of 4 stars). 3 submissions from 3 submitters: Likely pathogenic (2). 1 of the submissions does not count toward it. Last evaluated 2026-05-12.

Conditions:
Xeroderma pigmentosum (XP). Identifiers: Orphanet 910, MedGen C0043346, MONDO:0019600.
Xeroderma pigmentosum group A (XPA). Also called: Xeroderma pigmentosum, complementation group A; XP, group A; XPA-Related Xeroderma Pigmentosum. Identifiers: Orphanet 910, MedGen C0268135, MONDO:0010210, OMIM 278700.

Allele frequency attached by ClinVar (database versions not stated): gnomAD exomes below 0.00001.
gnomAD v4.1: 4 of 1,594,970 alleles (0.00025%); highest among the groups gnomAD compares: Middle Eastern, 0.017%; no homozygotes.

Submissions (3):

Myriad Genetics, Inc.
Classification: Likely pathogenic for Xeroderma pigmentosum group A. Last evaluated: 2026-05-12. Review status: criteria provided, single submitter. Criteria: Myriad Autosomal Dominant, Autosomal Recessive and X-Linked Classification Criteria (2023). Collection method: clinical testing. Allele origin: unknown.
Comment: NM_000380.3(XPA):c.389G>A(R130K) is a missense variant classified as likely pathogenic in the context of xeroderma pigmentosum group A. R130K has been observed in cases with relevant disease (PMID: 1372103, 41005614). Relevant functional assessments of this variant are available in the literature (PMID: 1372103, 41005614). R130K has not been observed in referenced population frequency databases. In summary, NM_000380.3(XPA):c.389G>A(R130K) is a missense variant that has functional support for pathogenicity and has been observed more frequently in cases with the relevant disease than in healthy populations. Please note: this variant was assessed in the context of healthy population screening.

Division of Human Genetics, National Health Laboratory Service/University of the Witwatersrand
Classification: Likely pathogenic for Xeroderma pigmentosum. Last evaluated: 2023-07-01. Review status: criteria provided, single submitter. Criteria: ACMG Guidelines, 2015. Collection method: research. Allele origin: germline. Affected: yes.

Counsyl
Classification: Uncertain significance for Xeroderma pigmentosum group A. Last evaluated: 2017-03-17. Review status: no assertion criteria provided. Collection method: clinical testing. Allele origin: unknown. Not counted in ClinVar's aggregate classification.

Literature cited by the submitters: PubMed 1372103 (cited by Myriad Genetics, Inc.); PubMed 41005614 (cited by Myriad Genetics, Inc.); PubMed 9671271 (cited by Counsyl).